The following is an entry in ClinVar:

ClinVar aggregate classification (germline): Uncertain significance. Review status: criteria provided, multiple submitters, no conflicts (2 of 4 stars). 2 submissions from 2 submitters: Uncertain significance (2). Last evaluated 2023-07-26.

Conditions:
Inborn genetic diseases. Identifiers: MedGen C0950123, MeSH D030342.

Allele frequency attached by ClinVar (database versions not stated): ExAC 0.00001; gnomAD exomes below 0.00001.
gnomAD v4.1: 24 of 1,607,268 alleles (0.0015%); highest among the groups gnomAD compares: Non-Finnish European, 0.002%; no homozygotes.

Submissions (2):

Labcorp Genetics (formerly Invitae), Labcorp
Classification: Uncertain significance. Last evaluated: 2023-07-26. Review status: criteria provided, single submitter. Criteria: Invitae Variant Classification Sherloc (09022015). Collection method: clinical testing. Allele origin: germline.
Comment: This variant has not been reported in the literature in individuals affected with HPS3-related conditions. In summary, the available evidence is currently insufficient to determine the role of this variant in disease. Therefore, it has been classified as a Variant of Uncertain Significance. Advanced modeling of protein sequence and biophysical properties (such as structural, functional, and spatial information, amino acid conservation, physicochemical variation, residue mobility, and thermodynamic stability) performed at Invitae indicates that this missense variant is expected to disrupt HPS3 protein function. ClinVar contains an entry for this variant (Variation ID: 1394592). This variant is present in population databases (rs753830955, gnomAD 0.0009%). This sequence change replaces leucine, which is neutral and non-polar, with valine, which is neutral and non-polar, at codon 943 of the HPS3 protein (p.Leu943Val).

Ambry Genetics
Classification: Uncertain significance for Inborn genetic diseases. Last evaluated: 2022-01-04. Review status: criteria provided, single submitter. Criteria: Ambry Variant Classification Scheme 2023. Collection method: clinical testing. Allele origin: germline.

NM_032383.5(HPS3):c.2827C>G (p.Leu943Val)

Genes: CP (ceruloplasmin; minus strand), HPS3 (HPS3 biogenesis of lysosomal organelles complex 2 subunit 1; plus strand). Cytogenetic location: 3q24.
Variant type: single nucleotide variant.
Coding change: c.2827C>G on transcript NM_032383.5 (MANE Select); coding-DNA position 2827, C replaced by G.
Protein change: p.Leu943Val; replaces leucine 943 with valine.
Molecular consequence: missense variant.
Genome position (GRCh38, 1-based): chr3:149,167,923, C>G. VCF-style: chr3-149167923-C-G. GRCh37 (hg19) VCF-style: chr3-148885710-C-G.
Other names: c.2332C>G, p.Leu778Val (NM_001308258.2); c.2827C>G (NM_032383.3); short protein forms L778V, L943V.
Identifiers: ClinVar variation 1394592 (VCV001394592.7), dbSNP rs753830955, ClinGen allele CA2660480.